The following is an entry in ClinVar:

ClinVar aggregate classification (germline): Uncertain significance. Review status: criteria provided, multiple submitters, no conflicts (2 of 4 stars). 2 submissions from 2 submitters: Uncertain significance (2). Last evaluated 2024-01-29.

Conditions:
Retinal dystrophy. Also called: Inherited retinal dystrophy. Identifiers: Orphanet 71862, MedGen C0854723, MeSH D058499, MONDO:0019118, HP:0000556.

Allele frequency attached by ClinVar (database versions not stated): gnomAD 0.00001.

Submissions (2):

Labcorp Genetics (formerly Invitae), Labcorp
Classification: Uncertain significance. Last evaluated: 2024-01-29. Review status: criteria provided, single submitter. Criteria: Invitae Variant Classification Sherloc (09022015). Collection method: clinical testing. Allele origin: germline.
Comment: This sequence change replaces tyrosine, which is neutral and polar, with cysteine, which is neutral and slightly polar, at codon 151 of the FSCN2 protein (p.Tyr151Cys). This variant is not present in population databases (gnomAD no frequency). This variant has not been reported in the literature in individuals affected with FSCN2-related conditions. An algorithm developed to predict the effect of missense changes on protein structure and function (PolyPhen-2) suggests that this variant is likely to be disruptive. In summary, the available evidence is currently insufficient to determine the role of this variant in disease. Therefore, it has been classified as a Variant of Uncertain Significance.

Dept Of Ophthalmology, Nagoya University
Classification: Uncertain significance for Retinal dystrophy. Last evaluated: 2023-10-01. Review status: criteria provided, single submitter. Criteria: Submitter's publication. Collection method: research. Allele origin: germline. Affected: yes.

NM_012418.4(FSCN2):c.452A>G (p.Tyr151Cys)

Gene: FSCN2 (fascin actin-bundling protein 2, retinal; plus strand). Cytogenetic location: 17q25.3.
Variant type: single nucleotide variant.
Coding change: c.452A>G on transcript NM_012418.4 (MANE Select); coding-DNA position 452, A replaced by G.
Protein change: p.Tyr151Cys; replaces tyrosine 151 with cysteine.
Molecular consequence: missense variant.
Genome position (GRCh38, 1-based): chr17:81,528,983, A>G. VCF-style: chr17-81528983-A-G. GRCh37 (hg19) VCF-style: chr17-79496009-A-G.
Other names: c.452A>G, p.Tyr151Cys (NM_001077182.3); short protein forms Y151C.
Identifiers: ClinVar variation 2956467 (VCV002956467.4), dbSNP rs2032450263, ClinGen allele CA401471095.
Genomic context (GRCh38, chr17:81,528,983, plus strand): 5'-GGACCGTGCACCTGGCCATCCACCCGCAGGCCCACCTGCTGAGCGTGAGCCGGCGGCGCT[A>G]CGTGCACCTGTGCCCGCGGGAGGACGAGATGGCCGCAGACGGAGACAAGCCCTGGGGCGT-3'
Protein context (NP_036550.1, residues 141-161): AHLLSVSRRR[Tyr151Cys]VHLCPREDEM